The following is an entry in ClinVar:

NM_018419.3(SOX18):c.1066G>T (p.Ala356Ser)

Gene: SOX18 (SRY-box transcription factor 18; minus strand). Cytogenetic location: 20q13.33.
Variant type: single nucleotide variant.
Coding change: c.1066G>T on transcript NM_018419.3 (MANE Select); coding-DNA position 1066, G replaced by T.
Protein change: p.Ala356Ser; replaces alanine 356 with serine.
Molecular consequence: missense variant.
Genome position (GRCh38, 1-based): chr20:64,048,255, C>A on the plus strand (G>T on the coding strand, the complement: SOX18 is on the minus strand). VCF-style: chr20-64048255-C-A. GRCh37 (hg19) VCF-style: chr20-62679608-C-A.
Other names: short protein forms A356S.
Identifiers: ClinVar variation 3703980 (VCV003703980.2).
Genomic context (GRCh38, chr20:64,048,255, plus strand): 5'-CCGCGCTGCTGGCGTCCGACAGCGCGGAGATCAGGCTGCTCTCCTCTGGGCAGGACATGG[C>A]GCGCGGGCCCAGTTTGGCCAGTGCCACGTGGTACGGGAGCCCGGGGGCGTCGGGCCGAGT-3'
Protein context (NP_060889.1, residues 346-366): HVALAKLGPR[Ala356Ser]MSCPEESSLI

ClinVar aggregate classification (germline): Uncertain significance (1 of 4 stars; one submission).

Submission:

Labcorp Genetics (formerly Invitae), Labcorp
Classification: Uncertain significance. Last evaluated: 2024-04-20. Review status: criteria provided, single submitter. Criteria: Invitae Variant Classification Sherloc (09022015). Collection method: clinical testing. Allele origin: germline.
Comment: This sequence change replaces alanine, which is neutral and non-polar, with serine, which is neutral and polar, at codon 356 of the SOX18 protein (p.Ala356Ser). This variant is not present in population databases (gnomAD no frequency). This variant has not been reported in the literature in individuals affected with SOX18-related conditions. An algorithm developed to predict the effect of missense changes on protein structure and function (PolyPhen-2) suggests that this variant is likely to be tolerated. In summary, the available evidence is currently insufficient to determine the role of this variant in disease. Therefore, it has been classified as a Variant of Uncertain Significance.